The following is an entry in ClinVar:

NM_007194.4(CHEK2):c.127A>G (p.Thr43Ala)

Gene: CHEK2 (checkpoint kinase 2; minus strand). Cytogenetic location: 22q12.1.
Variant type: single nucleotide variant.
Coding change: c.127A>G on transcript NM_007194.4 (MANE Select); coding-DNA position 127, A replaced by G.
Protein change: p.Thr43Ala; replaces threonine 43 with alanine.
Molecular consequence: missense variant.
Genome position (GRCh38, 1-based): chr22:28,734,595, T>C on the plus strand (A>G on the coding strand, the complement: CHEK2 is on the minus strand). VCF-style: chr22-28734595-T-C. GRCh37 (hg19) VCF-style: chr22-29130583-T-C.
Other names: c.127A>G, p.Thr43Ala (NM_001005735.3, NM_001349956.3, NM_145862.3); c.-651A>G (NM_001257387.3); short protein forms T43A.
Identifiers: ClinVar variation 582006 (VCV000582006.17), dbSNP rs749158713, ClinGen allele CA10168072.
Genomic context (GRCh38, chr22:28,734,595, plus strand): 5'-AGGAGCTCAGTGTCCCAGAGCTGGAGTGAGAGGACTGGCTGGAGTTTGGCATCGTGCTGG[T>C]AGAGGAGCTGGATATGCCCTGGGACTGTGAGGAGGAGCCTTGGGACTGGGTAACGCTGCC-3'
Protein context (NP_009125.1, residues 33-53): SQSQGISSSS[Thr43Ala]STMPNSSQSS

ClinVar aggregate classification (germline): Uncertain significance. Review status: criteria provided, multiple submitters, no conflicts (2 of 4 stars). 3 submissions from 3 submitters: Uncertain significance (3). Last evaluated 2025-11-22.

Conditions:
Hereditary cancer-predisposing syndrome. Also called: Neoplastic Syndromes, Hereditary; Hereditary Cancer Syndrome; Tumor predisposition; Hereditary neoplastic syndrome. Identifiers: Orphanet 140162, MedGen C0027672, MeSH D009386, MONDO:0015356.
Familial cancer of breast. Also called: Hereditary breast cancer; hereditary breast carcinoma; BREAST CANCER, FAMILIAL. Identifiers: Orphanet 227535, MedGen C0346153, MONDO:0016419, OMIM 114480. Disease mechanism: loss of function.

Allele frequency attached by ClinVar (database versions not stated): gnomAD exomes below 0.00001 and 0.00002; ExAC 0.00002.
gnomAD v4.1: 7 of 1,613,714 alleles (0.00043%); highest among the groups gnomAD compares: Admixed American, 0.005%; no homozygotes.

Submissions (3):

Labcorp Genetics (formerly Invitae), Labcorp
Classification: Uncertain significance for Familial cancer of breast. Last evaluated: 2025-11-22. Review status: criteria provided, single submitter. Criteria: Invitae Variant Classification Sherloc (09022015). Collection method: clinical testing. Allele origin: germline.
Comment: This sequence change replaces threonine, which is neutral and polar, with alanine, which is neutral and non-polar, at codon 43 of the CHEK2 protein (p.Thr43Ala). This variant is present in population databases (rs749158713, gnomAD 0.009%). This variant has not been reported in the literature in individuals affected with CHEK2-related conditions. ClinVar contains an entry for this variant (Variation ID: 582006). An algorithm developed to predict the effect of missense changes on protein structure and function outputs the following: PolyPhen-2: "Benign". The alanine amino acid residue is found in multiple mammalian species, which suggests that this missense change does not adversely affect protein function. In summary, the available evidence is currently insufficient to determine the role of this variant in disease. Therefore, it has been classified as a Variant of Uncertain Significance.

Color Diagnostics, LLC DBA Color Health
Classification: Uncertain significance for Hereditary cancer-predisposing syndrome. Last evaluated: 2025-10-28. Review status: criteria provided, single submitter. Criteria: ACMG Guidelines, 2015. Collection method: clinical testing. Allele origin: germline.
Comment: This missense variant replaces threonine with alanine at codon 43 of the CHEK2 protein. Computational prediction suggests that this variant may not impact protein structure and function. To our knowledge, functional studies have not been reported for this variant. This variant has not been reported in individuals affected with CHEK2-related disorders in the literature. This variant has been identified in 7/1461886 chromosomes in the general population by the Genome Aggregation Database (gnomAD). The available evidence is insufficient to determine the role of this variant in disease conclusively. Therefore, this variant is classified as a Variant of Uncertain Significance.

Ambry Genetics
Classification: Uncertain significance for Hereditary cancer-predisposing syndrome. Last evaluated: 2025-08-24. Review status: criteria provided, single submitter. Criteria: Ambry Variant Classification Scheme 2023. Collection method: clinical testing. Allele origin: germline.